The following is an entry in ClinVar:

NM_000355.4(TCN2):c.*300T>G

Gene: TCN2 (transcobalamin 2; plus strand). Cytogenetic location: 22q12.2.
Variant type: single nucleotide variant.
Coding change: c.*300T>G on transcript NM_000355.4 (MANE Select); 300 bases downstream of the stop codon, T replaced by G.
Molecular consequence: 3 prime UTR variant.
Genome position (GRCh38, 1-based): chr22:30,626,821, T>G. VCF-style: chr22-30626821-T-G. GRCh37 (hg19) VCF-style: chr22-31022808-T-G.
Other names: c.*300T>G (NM_001184726.2).
Identifiers: ClinVar variation 341222 (VCV000341222.6), dbSNP rs187942607, ClinGen allele CA10645326.

ClinVar aggregate classification (germline): Likely benign. Review status: criteria provided, multiple submitters, no conflicts (2 of 4 stars). 2 submissions from 2 submitters: Likely benign (2). Last evaluated 2018-01-13.

Conditions:
Transcobalamin II deficiency (TCN2D). Also called: TC II DEFICIENCY; TCN2 DEFICIENCY; Transcolabamin II deficiency. Identifiers: Orphanet 859, MedGen C0342701, MONDO:0010149, OMIM 275350.

Allele frequency attached by ClinVar (database versions not stated): 1000 Genomes Project 30x 0.00203; 1000 Genomes Project 0.00280; TOPMed 0.00512; gnomAD 0.00910 and 0.00942.

Submissions (2):

Illumina Laboratory Services, Illumina
Classification: Likely benign for Transcobalamin II deficiency. Last evaluated: 2018-01-13. Review status: criteria provided, single submitter. Criteria: ICSL Variant Classification Criteria 13 December 2019. Collection method: clinical testing. Allele origin: germline.
Comment: This variant was observed in the ICSL laboratory as part of a predisposition screen in an ostensibly healthy population. It had not been previously curated by ICSL or reported in the Human Gene Mutation Database (HGMD: prior to June 1st, 2018), and was therefore a candidate for classification through an automated scoring system. Utilizing variant allele frequency, disease prevalence and penetrance estimates, and inheritance mode, an automated score was calculated to assess if this variant is too frequent to cause the disease. Based on the score and internal cut-off values, a variant classified as likely benign is not then subjected to further curation. The score for this variant resulted in a classification of likely benign for this disease.

Breakthrough Genomics
Classification: Likely benign. Review status: criteria provided, single submitter. Criteria: ACMG Guidelines, 2015. Collection method: not provided. Allele origin: germline. Inheritance: Autosomal recessive inheritance. Affected: yes.